The following is an entry in ClinVar:

ClinVar aggregate classification (germline): Uncertain significance. Review status: criteria provided, multiple submitters, no conflicts (2 of 4 stars). 2 submissions from 2 submitters: Uncertain significance (2). Last evaluated 2025-08-28.

Conditions:
Inborn genetic diseases. Identifiers: MedGen C0950123, MeSH D030342.
Spastic paraplegia. Identifiers: MedGen C0037772, HP:0001258.

Allele frequency attached by ClinVar (database versions not stated): TOPMed below 0.00001; ExAC 0.00001; ESP Exome Variant Server 0.00008.
gnomAD v4.1: 7 of 1,603,738 alleles (0.00044%); highest among the groups gnomAD compares: African/African-American, 0.0027%; no homozygotes.

Submissions (2):

Ambry Genetics
Classification: Uncertain significance for Inborn genetic diseases. Last evaluated: 2025-08-28. Review status: criteria provided, single submitter. Criteria: Ambry Variant Classification Scheme 2023. Collection method: clinical testing. Allele origin: germline.

Labcorp Genetics (formerly Invitae), Labcorp
Classification: Uncertain significance for Spastic paraplegia. Last evaluated: 2024-10-29. Review status: criteria provided, single submitter. Criteria: Invitae Variant Classification Sherloc (09022015). Collection method: clinical testing. Allele origin: germline.
Comment: This sequence change replaces arginine, which is basic and polar, with histidine, which is basic and polar, at codon 91 of the RTN2 protein (p.Arg91His). This variant is present in population databases (rs149153041, gnomAD 0.007%). This variant has not been reported in the literature in individuals affected with RTN2-related conditions. ClinVar contains an entry for this variant (Variation ID: 2147448). An algorithm developed to predict the effect of missense changes on protein structure and function (PolyPhen-2) suggests that this variant is likely to be disruptive. In summary, the available evidence is currently insufficient to determine the role of this variant in disease. Therefore, it has been classified as a Variant of Uncertain Significance.

NM_005619.5(RTN2):c.272G>A (p.Arg91His)

Genes: RTN2 (reticulon 2; minus strand), OPA3-RTN2 (OPA3-RTN2 readthrough; minus strand). Cytogenetic location: 19q13.32.
Variant type: single nucleotide variant.
Coding change: c.272G>A on transcript NM_005619.5 (MANE Select); coding-DNA position 272, G replaced by A.
Protein change: p.Arg91His; replaces arginine 91 with histidine.
Molecular consequence: missense variant.
Genome position (GRCh38, 1-based): chr19:45,494,813, C>T on the plus strand (G>A on the coding strand, the complement: RTN2 is on the minus strand). VCF-style: chr19-45494813-C-T. GRCh37 (hg19) VCF-style: chr19-45998071-C-T.
Other names: c.272G>A (NM_005619.3); c.272G>A, p.Arg91His (NM_206900.3); short protein forms R91H.
Identifiers: ClinVar variation 2147448 (VCV002147448.5), dbSNP rs149153041, ClinGen allele CA9516296.